The following is an entry in ClinVar:

NM_003491.4(NAA10):c.418G>T (p.Asp140Tyr)

Gene: NAA10 (N-alpha-acetyltransferase 10, NatA catalytic subunit; minus strand). Cytogenetic location: Xq28.
Variant type: single nucleotide variant.
Coding change: c.418G>T on transcript NM_003491.4 (MANE Select); coding-DNA position 418, G replaced by T.
Protein change: p.Asp140Tyr; replaces aspartic acid 140 with tyrosine.
Molecular consequence: missense variant.
Genome position (GRCh38, 1-based): chrX:153,930,816, C>A on the plus strand (G>T on the coding strand, the complement: NAA10 is on the minus strand). VCF-style: chrX-153930816-C-A. GRCh37 (hg19) VCF-style: chrX-153196269-C-A.
Other names: c.373G>T, p.Asp125Tyr (NM_001256119.2); c.400G>T, p.Asp134Tyr (NM_001256120.2); short protein forms D125Y, D134Y, D140Y.
Identifiers: ClinVar variation 1679677 (VCV001679677.2), dbSNP rs2148534337, ClinGen allele CA415157892.
Genomic context (GRCh38, chrX:153,930,816, plus strand): 5'-CGCTTACCTCGTCGGCCATCTGAGTGAGGTCCCGCTTCATGGCATAGGCGTCCTCCCCAT[C>A]TGCATAGTATTTGGGCTCCACTTCACTGATCCTGGGGGCAGAGGGTTAGAGAGCAAGGAG-3'
Protein context (NP_003482.1, residues 130-150): ISEVEPKYYA[Asp140Tyr]GEDAYAMKRD

ClinVar aggregate classification (germline): Uncertain significance (1 of 4 stars; one submission).

Conditions:
Microphthalmia, syndromic 1 (MCOPS1). Also called: ANOP1. Identifiers: Orphanet 568, Orphanet 85275, MedGen C0796016, MONDO:0010671, OMIM 309800.
Ogden syndrome (OGDNS). Also called: N-TERMINAL ACETYLTRANSFERASE DEFICIENCY. Identifiers: Orphanet 276432, MedGen C3275447, MONDO:0010457, OMIM 300855.

Submission:

New York Genome Center
Classification: Uncertain significance for Microphthalmia, syndromic 1; Ogden syndrome. Last evaluated: 2021-05-14. Review status: criteria provided, single submitter. Criteria: NYGC Assertion Criteria 2020. Collection method: clinical testing. Allele origin: germline. Observed: 1 hemizygote. Study: CSER-NYCKidSeq.
Comment: The hemizygous c.418G>T (p.Asp140Tyr) variant identified in the NAA10 gene substitutes a well conserved Aspartic Acid for Tyrosine at amino acid140/236 (exon 7/8). This variant is absent from gnomAD(v3.1.1) suggesting it is not a common benign variant in the populations represented in that database. In silico algorithms do not agree on the effect of this variant, as it is predicted both Damaging (SIFT; score: 0.000) and Benign (REVEL; score:0.558) to the function of thecanonical transcript. This variant is absent from ClinVar and to our current knowledge has not been reported in affected individuals in the literature. The p.Asp140 residue is within the large N-acetyltransferase domain of NAA10 (UniProtKB:P41227). Given the lack of compelling evidence for its pathogenicity, the hemizygousc.418G>T (p.Asp140Tyr) variant identified in the NAA10 gene is reported as a Variant of Uncertain Significance.